The following is an entry in ClinVar:

ClinVar aggregate classification (germline): Uncertain significance. Review status: criteria provided, multiple submitters, no conflicts (2 of 4 stars). 2 submissions from 2 submitters: Uncertain significance (2). Last evaluated 2025-04-28.

Allele frequency attached by ClinVar (database versions not stated): gnomAD exomes below 0.00001 and 0.00001; ExAC 0.00001; gnomAD 0.00001.
gnomAD v4.1: 10 of 1,613,938 alleles (0.00062%); highest among the groups gnomAD compares: South Asian, 0.0022%; no homozygotes.

Submissions (2):

Labcorp Genetics (formerly Invitae), Labcorp
Classification: Uncertain significance. Last evaluated: 2025-04-28. Review status: criteria provided, single submitter. Criteria: Invitae Variant Classification Sherloc (09022015). Collection method: clinical testing. Allele origin: germline.
Comment: This sequence change replaces glycine, which is neutral and non-polar, with arginine, which is basic and polar, at codon 416 of the MAK protein (p.Gly416Arg). This variant is present in population databases (rs773588644, gnomAD 0.0009%). This variant has not been reported in the literature in individuals affected with MAK-related conditions. ClinVar contains an entry for this variant (Variation ID: 1394464). Invitae Evidence Modeling of protein sequence and biophysical properties (such as structural, functional, and spatial information, amino acid conservation, physicochemical variation, residue mobility, and thermodynamic stability) indicates that this missense variant is not expected to disrupt MAK protein function with a negative predictive value of 80%. In summary, the available evidence is currently insufficient to determine the role of this variant in disease. Therefore, it has been classified as a Variant of Uncertain Significance.

Blueprint Genetics
Classification: Uncertain significance. Last evaluated: 2022-06-15. Review status: criteria provided, single submitter. Criteria: ACMG Guidelines, 2015. Collection method: clinical testing. Allele origin: germline.

NM_001242957.3(MAK):c.1246G>A (p.Gly416Arg)

Gene: MAK (male germ cell associated kinase; minus strand). Cytogenetic location: 6p24.2.
Variant type: single nucleotide variant.
Coding change: c.1246G>A on transcript NM_001242957.3 (MANE Select); coding-DNA position 1246, G replaced by A.
Protein change: p.Gly416Arg; replaces glycine 416 with arginine.
Molecular consequence: missense variant. On other transcripts: non-coding transcript variant (2).
Genome position (GRCh38, 1-based): chr6:10,791,745, C>T on the plus strand (G>A on the coding strand, the complement: MAK is on the minus strand). VCF-style: chr6-10791745-C-T. GRCh37 (hg19) VCF-style: chr6-10791978-C-T.
Other names: c.1246G>A, p.Gly416Arg (NM_001242385.2, NM_005906.6); c.1144G>A, p.Gly382Arg (NM_001377262.1); short protein forms G382R, G416R.
Identifiers: ClinVar variation 1394464 (VCV001394464.5), dbSNP rs773588644, ClinGen allele CA3633509.